The following is an entry in ClinVar:

ClinVar aggregate classification (germline): Uncertain significance. Review status: criteria provided, multiple submitters, no conflicts (2 of 4 stars). 2 submissions from 2 submitters: Uncertain significance (2). Last evaluated 2025-12-12.

Conditions:
feingold.

gnomAD v4.1: 6 of 1,614,102 alleles (0.00037%); highest among the groups gnomAD compares: Non-Finnish European, 0.00042%; no homozygotes.

Submissions (2):

Labcorp Genetics (formerly Invitae), Labcorp
Classification: Uncertain significance. Last evaluated: 2025-12-12. Review status: criteria provided, single submitter. Criteria: Invitae Variant Classification Sherloc (09022015). Collection method: clinical testing. Allele origin: germline.
Comment: This sequence change replaces glycine, which is neutral and non-polar, with arginine, which is basic and polar, at codon 311 of the MYCN protein (p.Gly311Arg). This variant is not present in population databases (gnomAD no frequency). This variant has not been reported in the literature in individuals affected with MYCN-related conditions. Invitae Evidence Modeling of protein sequence and biophysical properties (such as structural, functional, and spatial information, amino acid conservation, physicochemical variation, residue mobility, and thermodynamic stability) indicates that this missense variant is not expected to disrupt MYCN protein function with a negative predictive value of 95%. In summary, the available evidence is currently insufficient to determine the role of this variant in disease. Therefore, it has been classified as a Variant of Uncertain Significance.

Dasa
Classification: Uncertain significance for feingold. Last evaluated: 2025-10-31. Review status: criteria provided, single submitter. Criteria: DASA Assertion Criteria. Collection method: clinical testing. Allele origin: germline.
Comment: NM_005378.6(MYCN):c.931G>A (p.Gly311Arg) is a missense variant that results in the substitution of glycine with arginine. This variant is rare in population databases. The currently available literature and clinical evidence are not sufficient to establish a definitive association between this variant and the reported condition. Therefore, this variant is classified as a variant of uncertain significance.

NM_005378.6(MYCN):c.931G>A (p.Gly311Arg)

Gene: MYCN (MYCN proto-oncogene, bHLH transcription factor; plus strand). Cytogenetic location: 2p24.3.
Variant type: single nucleotide variant.
Coding change: c.931G>A on transcript NM_005378.6 (MANE Select); coding-DNA position 931, G replaced by A.
Protein change: p.Gly311Arg; replaces glycine 311 with arginine.
Molecular consequence: missense variant. On other transcripts: 3 prime UTR variant (1).
Genome position (GRCh38, 1-based): chr2:15,945,633, G>A. VCF-style: chr2-15945633-G-A. GRCh37 (hg19) VCF-style: chr2-16085755-G-A.
Other names: c.931G>A, p.Gly311Arg (NM_001293228.2); c.298G>A, p.Gly100Arg (NM_001293231.2); c.*866G>A (NM_001293233.2); short protein forms G100R, G311R.
Identifiers: ClinVar variation 4699667 (VCV004699667.3).
Genomic context (GRCh38, chr2:15,945,633, plus strand): 5'-ACCAAGGCTGTCACCACATTCACCATCACTGTGCGTCCCAAGAACGCAGCCCTGGGTCCC[G>A]GGAGGGCTCAGTCCAGCGAGCTGATCCTCAAACGATGCCTTCCCATCCACCAGCAGCACA-3'
Protein context (NP_005369.2, residues 301-321): VRPKNAALGP[Gly311Arg]RAQSSELILK